The following is an entry in ClinVar:

NM_020964.3(EPG5):c.2840T>C (p.Val947Ala)

Gene: EPG5 (ectopic P-granules 5 autophagy tethering factor; minus strand). Cytogenetic location: 18q21.1.
Variant type: single nucleotide variant.
Coding change: c.2840T>C on transcript NM_020964.3 (MANE Select); coding-DNA position 2840, T replaced by C.
Protein change: p.Val947Ala; replaces valine 947 with alanine.
Molecular consequence: missense variant.
Genome position (GRCh38, 1-based): chr18:45,922,599, A>G on the plus strand (T>C on the coding strand, the complement: EPG5 is on the minus strand). VCF-style: chr18-45922599-A-G. GRCh37 (hg19) VCF-style: chr18-43502565-A-G.
Other names: c.2840T>C, p.Val947Ala (NM_001410858.1, NM_001410859.1); short protein forms V947A.
Identifiers: ClinVar variation 1997425 (VCV001997425.4), dbSNP rs2511863370, ClinGen allele CA402344534.
Genomic context (GRCh38, chr18:45,922,599, plus strand): 5'-CATTGGTTAAATGAGGTCTCGGGTGTCTCTCCATATCGAACAATACTGGCCAAATATGAA[A>G]CCTAAAACAATTATTTATTTTGAGCCACATTAGTCACACACAAATTAAATCAGTAAGCTC-3'
Protein context (NP_066015.2, residues 937-957): AGILSESMKQ[Val947Ala]SYLASIVRYG

ClinVar aggregate classification (germline): Uncertain significance (1 of 4 stars; one submission).

Conditions:
Vici syndrome (VICIS). Identifiers: Orphanet 1493, MedGen C1855772, MONDO:0009452, OMIM 242840.

gnomAD v4.1: 3 of 1,611,528 alleles (0.00019%); highest among the groups gnomAD compares: Non-Finnish European, 0.000085%; no homozygotes.

Submission:

Labcorp Genetics (formerly Invitae), Labcorp
Classification: Uncertain significance for Vici syndrome. Last evaluated: 2022-05-21. Review status: criteria provided, single submitter. Criteria: Invitae Variant Classification Sherloc (09022015). Collection method: clinical testing. Allele origin: germline.
Comment: In summary, the available evidence is currently insufficient to determine the role of this variant in disease. Therefore, it has been classified as a Variant of Uncertain Significance. Algorithms developed to predict the effect of missense changes on protein structure and function are either unavailable or do not agree on the potential impact of this missense change (SIFT: "Deleterious"; PolyPhen-2: "Probably Damaging"; Align-GVGD: "Class C0"). This variant has not been reported in the literature in individuals affected with EPG5-related conditions. This variant is not present in population databases (gnomAD no frequency). This sequence change replaces valine, which is neutral and non-polar, with alanine, which is neutral and non-polar, at codon 947 of the EPG5 protein (p.Val947Ala).